The following is an entry in ClinVar:

NM_001042517.2(DIAPH3):c.2955T>A (p.Tyr985Ter)

Gene: DIAPH3 (diaphanous related formin 3; minus strand). Cytogenetic location: 13q21.2.
Variant type: single nucleotide variant.
Coding change: c.2955T>A on transcript NM_001042517.2 (MANE Select); coding-DNA position 2955, T replaced by A.
Protein change: p.Tyr985Ter; replaces tyrosine 985 with a stop codon.
Molecular consequence: nonsense.
Genome position (GRCh38, 1-based): chr13:59,833,179, A>T on the plus strand (T>A on the coding strand, the complement: DIAPH3 is on the minus strand). VCF-style: chr13-59833179-A-T. GRCh37 (hg19) VCF-style: chr13-60407313-A-T.
Other names: c.2922T>A, p.Tyr974Ter (NM_001258366.2); c.2817T>A, p.Tyr939Ter (NM_001258367.2); c.2745T>A, p.Tyr915Ter (NM_001258368.2); c.2955T>A, p.Tyr985Ter (NM_001258369.2); c.2166T>A, p.Tyr722Ter (NM_030932.4); short protein forms Y722*, Y915*, Y985*, Y939*, Y974*.
Identifiers: ClinVar variation 4740231 (VCV004740231.1).

ClinVar aggregate classification (germline): Uncertain significance (1 of 4 stars; one submission).

gnomAD v4.1: 54 of 1,610,728 alleles (0.0034%); highest among the groups gnomAD compares: Non-Finnish European, 0.0044%; no homozygotes.

Submission:

Labcorp Genetics (formerly Invitae), Labcorp
Classification: Uncertain significance. Last evaluated: 2025-04-14. Review status: criteria provided, single submitter. Criteria: Invitae Variant Classification Sherloc (09022015). Collection method: clinical testing. Allele origin: germline.
Comment: This sequence change creates a premature translational stop signal (p.Tyr985*) in the DIAPH3 gene. It is expected to result in an absent or disrupted protein product. However, the current clinical and genetic evidence is not sufficient to establish whether loss-of-function variants in DIAPH3 cause disease. This variant is present in population databases (rs765571186, gnomAD 0.003%). This variant has not been reported in the literature in individuals affected with DIAPH3-related conditions. Algorithms developed to predict the effect of sequence changes on RNA splicing suggest that this variant may disrupt the consensus splice site. In summary, the available evidence is currently insufficient to determine the role of this variant in disease. Therefore, it has been classified as a Variant of Uncertain Significance.